The following is an entry in ClinVar:

ClinVar aggregate classification (germline): Uncertain significance. Review status: criteria provided, multiple submitters, no conflicts (2 of 4 stars). 2 submissions from 2 submitters: Uncertain significance (2). Last evaluated 2024-05-29.

Conditions:
L-2-hydroxyglutaric aciduria (L2HGA). Identifiers: Orphanet 79314, MedGen C1855995, MONDO:0009370, OMIM 236792, HP:0040144.

Allele frequency attached by ClinVar (database versions not stated): gnomAD exomes below 0.00001.
gnomAD v4.1: 1 of 1,613,804 alleles (0.000062%); highest among the groups gnomAD compares: Non-Finnish European, 0.000085%; no homozygotes.

Submissions (2):

Blueprint Genetics
Classification: Uncertain significance. Last evaluated: 2024-05-29. Review status: criteria provided, single submitter. Criteria: ACMG Guidelines, 2015. Collection method: clinical testing. Allele origin: germline.

Labcorp Genetics (formerly Invitae), Labcorp
Classification: Uncertain significance for L-2-hydroxyglutaric aciduria. Last evaluated: 2022-10-17. Review status: criteria provided, single submitter. Criteria: Invitae Variant Classification Sherloc (09022015). Collection method: clinical testing. Allele origin: germline.
Comment: This variant is not present in population databases (gnomAD no frequency). In summary, the available evidence is currently insufficient to determine the role of this variant in disease. Therefore, it has been classified as a Variant of Uncertain Significance. Advanced modeling of protein sequence and biophysical properties (such as structural, functional, and spatial information, amino acid conservation, physicochemical variation, residue mobility, and thermodynamic stability) performed at Invitae indicates that this missense variant is expected to disrupt L2HGDH protein function. This missense change has been observed in individual(s) with L-2-hydroxyglutaric aciduria (PMID: 20052767). This sequence change replaces glutamic acid, which is acidic and polar, with lysine, which is basic and polar, at codon 336 of the L2HGDH protein (p.Glu336Lys).

Literature cited by the submitters: PubMed 20052767 (cited by Labcorp Genetics (formerly Invitae), Labcorp).

NM_024884.3(L2HGDH):c.1006G>A (p.Glu336Lys)

Gene: L2HGDH (L-2-hydroxyglutarate dehydrogenase; minus strand). Cytogenetic location: 14q21.3.
Variant type: single nucleotide variant.
Coding change: c.1006G>A on transcript NM_024884.3 (MANE Select); coding-DNA position 1006, G replaced by A.
Protein change: p.Glu336Lys; replaces glutamic acid 336 with lysine.
Molecular consequence: missense variant.
Genome position (GRCh38, 1-based): chr14:50,267,811, C>T on the plus strand (G>A on the coding strand, the complement: L2HGDH is on the minus strand). VCF-style: chr14-50267811-C-T. GRCh37 (hg19) VCF-style: chr14-50734529-C-T.
Other names: short protein forms E336K.
Identifiers: ClinVar variation 2137579 (VCV002137579.5), dbSNP rs2503507887, ClinGen allele CA389649205.